The following is an entry in ClinVar:

NM_006371.5(CRTAP):c.*1124C>A

Gene: CRTAP (cartilage associated protein; plus strand). Cytogenetic location: 3p22.3.
Variant type: single nucleotide variant.
Coding change: c.*1124C>A on transcript NM_006371.5 (MANE Select); 1124 bases downstream of the stop codon, C replaced by A.
Molecular consequence: 3 prime UTR variant.
Genome position (GRCh38, 1-based): chr3:33,143,572, C>A. VCF-style: chr3-33143572-C-A. GRCh37 (hg19) VCF-style: chr3-33185064-C-A.
Other names: c.*1124C>A (NM_001393363.1, NM_001393364.1, NM_001393365.1).
Identifiers: ClinVar variation 344832 (VCV000344832.5), dbSNP rs570473174, ClinGen allele CA10616134.

ClinVar aggregate classification (germline): Likely benign (1 of 4 stars; one submission).

Conditions:
Osteogenesis imperfecta type 7 (OI7). Also called: OI type 7; OI type VII; OSTEOGENESIS IMPERFECTA, TYPE IIB; Osteogenesis imperfecta type 2B; OI type 2B; Osteogenesis imperfecta, perinatal lethal autosomal recessive. Identifiers: MedGen C1853162, MONDO:0012536, OMIM 610682.

Allele frequency attached by ClinVar (database versions not stated): gnomAD 0.00096 and 0.00169; TOPMed 0.00107; 1000 Genomes Project 0.00479; 1000 Genomes Project 30x 0.00531.

Submission:

Illumina Laboratory Services, Illumina
Classification: Likely benign for Osteogenesis imperfecta type 7. Last evaluated: 2018-01-13. Review status: criteria provided, single submitter. Criteria: ICSL Variant Classification Criteria 13 December 2019. Collection method: clinical testing. Allele origin: germline.
Comment: This variant was observed in the ICSL laboratory as part of a predisposition screen in an ostensibly healthy population. It had not been previously curated by ICSL or reported in the Human Gene Mutation Database (HGMD: prior to June 1st, 2018), and was therefore a candidate for classification through an automated scoring system. Utilizing variant allele frequency, disease prevalence and penetrance estimates, and inheritance mode, an automated score was calculated to assess if this variant is too frequent to cause the disease. Based on the score and internal cut-off values, a variant classified as likely benign is not then subjected to further curation. The score for this variant resulted in a classification of likely benign for this disease.